The following is an entry in ClinVar:

NM_001417890.1(NKRF):c.108A>T (p.Pro36=)

Gene: NKRF (NFKB repressing factor; minus strand). Cytogenetic location: Xq24.
Variant type: single nucleotide variant.
Coding change: c.108A>T on transcript NM_001417890.1 (MANE Select); coding-DNA position 108, A replaced by T.
Protein change: p.Pro36=; no amino-acid change (proline 36 retained).
Molecular consequence: synonymous variant. On other transcripts: non-coding transcript variant (1).
Genome position (GRCh38, 1-based): chrX:119,605,889, T>A on the plus strand (A>T on the coding strand, the complement: NKRF is on the minus strand). VCF-style: chrX-119605889-T-A. GRCh37 (hg19) VCF-style: chrX-118739852-T-A.
Other names: c.108A>T, p.Pro36= (NM_017544.5).
Identifiers: ClinVar variation 2661296 (VCV002661296.24), dbSNP rs1031779475, ClinGen allele CA334980655.

ClinVar aggregate classification (germline): Likely benign (1 of 4 stars; one submission).

Allele frequency attached by ClinVar (database versions not stated): TOPMed 0.00022; gnomAD 0.00026; gnomAD exomes 0.00070.

Submission:

CeGaT Center for Human Genetics Tuebingen
Classification: Likely benign. Last evaluated: 2022-03-01. Review status: criteria provided, single submitter. Criteria: CeGaT Center For Human Genetics Tuebingen Variant Classification Criteria Version 2. Collection method: clinical testing. Allele origin: germline. Affected: yes. Observed: 1 variant allele.
Comment: NKRF: BP4, BP7